The following is an entry in ClinVar:

NM_004820.5(CYP7B1):c.1006G>C (p.Gly336Arg)

Gene: CYP7B1 (cytochrome P450 family 7 subfamily B member 1; minus strand). Cytogenetic location: 8q12.3.
Variant type: single nucleotide variant.
Coding change: c.1006G>C on transcript NM_004820.5 (MANE Select); coding-DNA position 1006, G replaced by C.
Protein change: p.Gly336Arg; replaces glycine 336 with arginine.
Molecular consequence: missense variant.
Genome position (GRCh38, 1-based): chr8:64,615,077, C>G on the plus strand (G>C on the coding strand, the complement: CYP7B1 is on the minus strand). VCF-style: chr8-64615077-C-G. GRCh37 (hg19) VCF-style: chr8-65527634-C-G.
Other names: c.1006G>C, p.Gly336Arg (NM_001324112.2); short protein forms G336R.
Identifiers: ClinVar variation 4744412 (VCV004744412.1).
Genomic context (GRCh38, chr8:64,615,077, plus strand): 5'-ATAAATTACCTAGGCAGATTAGGCTGTCCAATTGTTCTCTGGTGAGGTGGATGGGAAATC[C>G]AGACCCTTTCTTTTGACCTGTTGACTGCAGCAAACGGTCAATTTCGTCACGCACTGCTGC-3'
Protein context (NP_004811.1, residues 326-346): LQSTGQKKGS[Gly336Arg]FPIHLTREQL

ClinVar aggregate classification (germline): Uncertain significance (1 of 4 stars; one submission).

Conditions:
Spastic paraplegia. Identifiers: MedGen C0037772, HP:0001258.

gnomAD v4.1: 13 of 1,613,618 alleles (0.00081%); highest among the groups gnomAD compares: Non-Finnish European, 0.0011%; no homozygotes.

Submission:

Labcorp Genetics (formerly Invitae), Labcorp
Classification: Uncertain significance for Spastic paraplegia. Last evaluated: 2025-07-02. Review status: criteria provided, single submitter. Criteria: Invitae Variant Classification Sherloc (09022015). Collection method: clinical testing. Allele origin: germline.
Comment: This sequence change replaces glycine, which is neutral and non-polar, with arginine, which is basic and polar, at codon 336 of the CYP7B1 protein (p.Gly336Arg). This variant is not present in population databases (gnomAD no frequency). This variant has not been reported in the literature in individuals affected with CYP7B1-related conditions. Invitae Evidence Modeling of protein sequence and biophysical properties (such as structural, functional, and spatial information, amino acid conservation, physicochemical variation, residue mobility, and thermodynamic stability) indicates that this missense variant is expected to disrupt CYP7B1 protein function with a positive predictive value of 95%. In summary, the available evidence is currently insufficient to determine the role of this variant in disease. Therefore, it has been classified as a Variant of Uncertain Significance.